The following is an entry in ClinVar:

NM_001127644.2(GABRA1):c.846A>G (p.Arg282=)

Gene: GABRA1 (gamma-aminobutyric acid type A receptor subunit alpha1; plus strand). Cytogenetic location: 5q34.
Variant type: single nucleotide variant.
Coding change: c.846A>G on transcript NM_001127644.2 (MANE Select); coding-DNA position 846, A replaced by G.
Protein change: p.Arg282=; no amino-acid change (arginine 282 retained).
Molecular consequence: synonymous variant.
Genome position (GRCh38, 1-based): chr5:161,891,040, A>G. VCF-style: chr5-161891040-A-G. GRCh37 (hg19) VCF-style: chr5-161318046-A-G.
Other names: c.846A>G, p.Arg282= (NM_000806.5, NM_001127643.2, NM_001127645.2 and 1 more transcripts).
Identifiers: ClinVar variation 377903 (VCV000377903.11), dbSNP rs139467768, ClinGen allele CA3544522.

ClinVar aggregate classification (germline): Likely benign. Review status: criteria provided, multiple submitters, no conflicts (2 of 4 stars). 2 submissions from 2 submitters: Likely benign (2). Last evaluated 2025-12-30.

Conditions:
Idiopathic generalized epilepsy. Also called: Generalised epilepsy; EIG. Identifiers: MedGen C0270850, MONDO:0005579, OMIM 600669.
Epilepsy, idiopathic generalized, susceptibility to, 13. Also called: EPILEPSY, JUVENILE MYOCLONIC, SUSCEPTIBILITY TO, 5. Identifiers: Orphanet 307, Orphanet 64280, MedGen C4013473, MONDO:0012627, OMIM 611136.
Epilepsy, childhood absence 4 (ECA4). Also called: EPILEPSY, CHILDHOOD ABSENCE, SUSCEPTIBILITY TO, 4. Identifiers: Orphanet 307, MedGen C1970160.

Allele frequency attached by ClinVar (database versions not stated): ExAC 0.00004; gnomAD exomes 0.00004 and 0.00001; gnomAD 0.00007; ESP Exome Variant Server 0.00008; TOPMed 0.00009.
gnomAD v4.1: 25 of 1,613,760 alleles (0.0015%); highest among the groups gnomAD compares: African/African-American, 0.029%; no homozygotes.

Submissions (2):

Labcorp Genetics (formerly Invitae), Labcorp
Classification: Likely benign for Epilepsy, childhood absence 4; Epilepsy, idiopathic generalized, susceptibility to, 13; Idiopathic generalized epilepsy. Last evaluated: 2025-12-30. Review status: criteria provided, single submitter. Criteria: Invitae Variant Classification Sherloc (09022015). Collection method: clinical testing. Allele origin: germline.

GeneDx
Classification: Likely benign. Last evaluated: 2016-02-22. Review status: criteria provided, single submitter. Criteria: GeneDx Variant Classification (06012015). Collection method: clinical testing. Allele origin: germline. Affected: yes.
Comment: This variant is considered likely benign or benign based on one or more of the following criteria: it is a conservative change, it occurs at a poorly conserved position in the protein, it is predicted to be benign by multiple in silico algorithms, and/or has population frequency not consistent with disease.